The following is an entry in ClinVar:

ClinVar aggregate classification (germline): Uncertain significance (1 of 4 stars; one submission).

Allele frequency attached by ClinVar (database versions not stated): gnomAD exomes below 0.00001.
gnomAD v4.1: 2 of 1,270,016 alleles (0.00016%); highest among the groups gnomAD compares: Non-Finnish European, 0.00022%; no homozygotes.

Submission:

Labcorp Genetics (formerly Invitae), Labcorp
Classification: Uncertain significance. Last evaluated: 2021-11-27. Review status: criteria provided, single submitter. Criteria: Invitae Variant Classification Sherloc (09022015). Collection method: clinical testing. Allele origin: germline.
Comment: Algorithms developed to predict the effect of missense changes on protein structure and function (SIFT, PolyPhen-2, Align-GVGD) all suggest that this variant is likely to be tolerated. This variant has not been reported in the literature in individuals affected with CEP89-related conditions. This variant is not present in population databases (gnomAD no frequency). This sequence change replaces histidine, which is basic and polar, with glutamine, which is neutral and polar, at codon 202 of the CEP89 protein (p.His202Gln). In summary, the available evidence is currently insufficient to determine the role of this variant in disease. Therefore, it has been classified as a Variant of Uncertain Significance.

NM_032816.5(CEP89):c.606C>A (p.His202Gln)

Gene: CEP89 (centrosomal protein 89; minus strand). Cytogenetic location: 19q13.11.
Variant type: single nucleotide variant.
Coding change: c.606C>A on transcript NM_032816.5 (MANE Select); coding-DNA position 606, C replaced by A.
Protein change: p.His202Gln; replaces histidine 202 with glutamine.
Molecular consequence: missense variant.
Genome position (GRCh38, 1-based): chr19:32,939,875, G>T on the plus strand (C>A on the coding strand, the complement: CEP89 is on the minus strand). VCF-style: chr19-32939875-G-T. GRCh37 (hg19) VCF-style: chr19-33430781-G-T.
Other names: short protein forms H202Q.
Identifiers: ClinVar variation 1395233 (VCV001395233.6), dbSNP rs2145939652, ClinGen allele CA405207126.